The following is an entry in ClinVar:

NM_001267550.2(TTN):c.23098G>T (p.Ala7700Ser)

Gene: TTN (titin; minus strand). Cytogenetic location: 2q31.2.
Variant type: single nucleotide variant.
Coding change: c.23098G>T on transcript NM_001267550.2 (MANE Select); coding-DNA position 23098, G replaced by T.
Protein change: p.Ala7700Ser; replaces alanine 7700 with serine.
Molecular consequence: missense variant. On other transcripts: intron variant (3).
Genome position (GRCh38, 1-based): chr2:178,720,921, C>A on the plus strand (G>T on the coding strand, the complement: TTN is on the minus strand). VCF-style: chr2-178720921-C-A. GRCh37 (hg19) VCF-style: chr2-179585648-C-A.
Other names: c.22147G>T, p.Ala7383Ser (NM_001256850.1); c.19366G>T, p.Ala6456Ser (NM_133378.4); c.13282+17161G>T (NM_003319.4); c.13858+17161G>T (NM_133437.4); c.13657+17161G>T (NM_133432.3); short protein forms A6456S, A7383S, A7700S.
Identifiers: ClinVar variation 3749851 (VCV003749851.2).

ClinVar aggregate classification (germline): Uncertain significance (1 of 4 stars; one submission).

Conditions:
Autosomal recessive limb-girdle muscular dystrophy type 2J (LGMDR10). Also called: Limb-girdle muscular dystrophy, type 2J; MUSCULAR DYSTROPHY, LIMB-GIRDLE, AUTOSOMAL RECESSIVE 10. Identifiers: Orphanet 140922, MedGen C1837342, MONDO:0012127, OMIM 608807.
Dilated cardiomyopathy 1G (CMD1G). Identifiers: Orphanet 154, MedGen C1858763, MONDO:0011400, OMIM 604145.

Submission:

Labcorp Genetics (formerly Invitae), Labcorp
Classification: Uncertain significance for Dilated cardiomyopathy 1G; Autosomal recessive limb-girdle muscular dystrophy type 2J. Last evaluated: 2024-10-29. Review status: criteria provided, single submitter. Criteria: Invitae Variant Classification Sherloc (09022015). Collection method: clinical testing. Allele origin: germline.
Comment: This sequence change replaces alanine, which is neutral and non-polar, with serine, which is neutral and polar, at codon 7700 of the TTN protein (p.Ala7700Ser). This variant also falls at the last nucleotide of exon 79, which is part of the consensus splice site for this exon. This variant is not present in population databases (gnomAD no frequency). This variant has not been reported in the literature in individuals affected with TTN-related conditions. Experimental studies and prediction algorithms are not available or were not evaluated, and the functional significance of this variant is currently unknown. Variants that disrupt the consensus splice site are a relatively common cause of aberrant splicing (PMID: 17576681, 9536098). Algorithms developed to predict the effect of sequence changes on RNA splicing suggest that this variant may disrupt the consensus splice site. This variant is located in the I band of TTN (PMID: 25589632). Non-truncating variants in this region may be clinically relevant, but have not been definitively shown to cause cardiomyopathy or neuromuscular disease (PMID: 27493940, 32778822). In summary, the available evidence is currently insufficient to determine the role of this variant in disease. Therefore, it has been classified as a Variant of Uncertain Significance.

Literature cited by the submitters: PubMed 17576681; PubMed 9536098; PubMed 25589632; PubMed 27493940; PubMed 32778822.